The following is an entry in ClinVar:

NM_014264.5(PLK4):c.553C>T (p.Arg185Ter)

Gene: PLK4 (polo like kinase 4; plus strand). Cytogenetic location: 4q28.1.
Variant type: single nucleotide variant.
Coding change: c.553C>T on transcript NM_014264.5 (MANE Select); coding-DNA position 553, C replaced by T.
Protein change: p.Arg185Ter; replaces arginine 185 with a stop codon.
Molecular consequence: nonsense.
Genome position (GRCh38, 1-based): chr4:127,885,923, C>T. VCF-style: chr4-127885923-C-T. GRCh37 (hg19) VCF-style: chr4-128807078-C-T.
Other names: c.457C>T, p.Arg153Ter (NM_001190799.2); c.430C>T, p.Arg144Ter (NM_001190801.2); short protein forms R153*, R144*, R185*.
Identifiers: ClinVar variation 2858483 (VCV002858483.4), dbSNP rs968676193, ClinGen allele CA105689547.
Genomic context (GRCh38, chr4:127,885,923, plus strand): 5'-CATGAAAAGCACTATACATTATGTGGAACTCCTAACTACATTTCACCAGAAATTGCCACT[C>T]GAAGTGCACATGGCCTTGAATCTGATGTTTGGTCCCTGGGCTGTATGTTTTATACATTAC-3'

ClinVar aggregate classification (germline): Pathogenic/Likely pathogenic. Review status: criteria provided, multiple submitters, no conflicts (2 of 4 stars). 2 submissions from 2 submitters: Pathogenic (1); Likely pathogenic (1). Last evaluated 2024-09-14.

Conditions:
PLK4-related disorder. Also called: PLK4-related condition.

Allele frequency attached by ClinVar (database versions not stated): gnomAD exomes 0.00001.
gnomAD v4.1: 7 of 1,614,068 alleles (0.00043%); highest among the groups gnomAD compares: Admixed American, 0.0017%; no homozygotes.

Submissions (2):

Labcorp Genetics (formerly Invitae), Labcorp
Classification: Pathogenic. Last evaluated: 2024-09-14. Review status: criteria provided, single submitter. Criteria: Invitae Variant Classification Sherloc (09022015). Collection method: clinical testing. Allele origin: germline.
Comment: This sequence change creates a premature translational stop signal (p.Arg185*) in the PLK4 gene. It is expected to result in an absent or disrupted protein product. Loss-of-function variants in PLK4 are known to be pathogenic (PMID: 25320347, 30842647). This variant is present in population databases (no rsID available, gnomAD 0.003%). This variant has not been reported in the literature in individuals affected with PLK4-related conditions. For these reasons, this variant has been classified as Pathogenic.

Blueprint Genetics
Classification: Likely pathogenic for PLK4-related disorders. Last evaluated: 2022-01-26. Review status: criteria provided, single submitter. Criteria: ACMG Guidelines, 2015. Collection method: clinical testing. Allele origin: germline. Affected: yes. Observed: 1 variant allele.

Literature cited by the submitters: PubMed 25320347 (cited by Labcorp Genetics (formerly Invitae), Labcorp); PubMed 30842647 (cited by Labcorp Genetics (formerly Invitae), Labcorp).